The following is an entry in ClinVar:

ClinVar aggregate classification (germline): Uncertain significance (1 of 4 stars; one submission).

Conditions:
Dilated cardiomyopathy 1I (CMD1I). Identifiers: Orphanet 154, MedGen C1858154, MONDO:0011482, OMIM 604765.

Submission:

New York Genome Center
Classification: Uncertain significance for Dilated cardiomyopathy 1I. Last evaluated: 2022-08-12. Review status: criteria provided, single submitter. Criteria: NYGC Assertion Criteria 2020. Collection method: clinical testing. Allele origin: germline. Observed: 1 variant allele.
Comment: The ~42kb duplication on the long arm of chromosome 2 encompasses exons 3 to 9 of DES and exons 1 to 8 (out of 41) of SPEG. Biallelic pathogenic variants in SPEG are associated with Centronuclear myopathy 5 [AR; MIM#615959]. Partial gene duplication in DES has not been reported previously in the literature, ClinVar, or DECIPHER. This gene has not been evaluated by ClinGen Dosage Sensitivity Working Group. Many disease-associated desmin variants cause an accumulation of disorganized intracytoplasmic aggregates containing desmin and other cytoskeletal proteins. Most ofthe known DES pathogenic variants are missense or small in-frame deletions; truncating variants have been more rarely reported in the literature (heterozygous orbiallelic) [PMID: 29926427]. Based on the available evidence, this ~42kb duplication is reported as a Variant ofUncertain Significance.

Single allele

Genes: SPEG (striated muscle enriched protein kinase; plus strand), DES (desmin; plus strand), LOC110121267 (VISTA enhancer hs2169; plus strand), LOC126806518 (P300/CBP strongly-dependent group 1 enhancer GRCh37_chr2:220317062-220318261; plus strand). Cytogenetic location: 2q35.
Variant type: Duplication.
Identifiers: ClinVar variation 2502206 (VCV002502206.1).